The following is an entry in ClinVar:

ClinVar aggregate classification (germline): Likely benign (0 of 4 stars; one submission).

Conditions:
NUP205-related disorder. Also called: NUP205-related condition.

Allele frequency attached by ClinVar (database versions not stated): ExAC 0.00003; gnomAD 0.00006; 1000 Genomes Project 30x 0.00016; 1000 Genomes Project 0.00020.
gnomAD v4.1: 23 of 1,531,250 alleles (0.0015%); highest among the groups gnomAD compares: African/African-American, 0.021%; no homozygotes.

Submission:

PreventionGenetics, part of Exact Sciences
Classification: Likely benign for NUP205-related condition. Last evaluated: 2022-02-14. Review status: no assertion criteria provided. Collection method: clinical testing. Allele origin: germline.
Comment: This variant is classified as likely benign based on ACMG/AMP sequence variant interpretation guidelines (Richards et al. 2015 PMID: 25741868, with internal and published modifications).

NM_015135.3(NUP205):c.*7G>A

Gene: NUP205 (nucleoporin 205; plus strand). Cytogenetic location: 7q33.
Variant type: single nucleotide variant.
Coding change: c.*7G>A on transcript NM_015135.3 (MANE Select); 7 bases downstream of the stop codon, G replaced by A.
Molecular consequence: 3 prime UTR variant.
Genome position (GRCh38, 1-based): chr7:135,648,563, G>A. VCF-style: chr7-135648563-G-A. GRCh37 (hg19) VCF-style: chr7-135333311-G-A.
Other names: c.*7G>A (NM_001329434.2).
Identifiers: ClinVar variation 3030113 (VCV003030113.2), dbSNP rs147068109, ClinGen allele CA4499360.